The following is an entry in ClinVar:

NM_001145358.2(SIN3A):c.1456T>C (p.Cys486Arg)

Gene: SIN3A (SIN3 transcription regulator family member A; minus strand). Cytogenetic location: 15q24.2.
Variant type: single nucleotide variant.
Coding change: c.1456T>C on transcript NM_001145358.2 (MANE Select); coding-DNA position 1456, T replaced by C.
Protein change: p.Cys486Arg; replaces cysteine 486 with arginine.
Molecular consequence: missense variant.
Genome position (GRCh38, 1-based): chr15:75,401,922, A>G on the plus strand (T>C on the coding strand, the complement: SIN3A is on the minus strand). VCF-style: chr15-75401922-A-G. GRCh37 (hg19) VCF-style: chr15-75694263-A-G.
Other names: c.1456T>C, p.Cys486Arg (NM_001145357.2, NM_015477.3); short protein forms C486R.
Identifiers: ClinVar variation 3367408 (VCV003367408.2).

ClinVar aggregate classification (germline): Uncertain significance (1 of 4 stars; one submission).

Submission:

GeneDx
Classification: Uncertain significance. Last evaluated: 2024-11-25. Review status: criteria provided, single submitter. Criteria: GeneDx Variant Classification Process June 2021. Collection method: clinical testing. Allele origin: germline.
Comment: Not observed at significant frequency in large population cohorts (gnomAD); In silico analysis supports that this missense variant has a deleterious effect on protein structure/function; Has not been previously published as pathogenic or benign to our knowledge